The following is an entry in ClinVar:

NM_002878.4(RAD51D):c.668-4G>T

Genes: RAD51D (RAD51 paralog D; minus strand), RAD51L3-RFFL (RAD51L3-RFFL readthrough; minus strand). Cytogenetic location: 17q12.
Variant type: single nucleotide variant.
Coding change: c.668-4G>T on transcript NM_002878.4 (MANE Select); 4 bases into the intron before coding-DNA position 668, G replaced by T.
Molecular consequence: intron variant.
Genome position (GRCh38, 1-based): chr17:35,103,328, C>A on the plus strand (G>T on the coding strand, the complement: RAD51D is on the minus strand). VCF-style: chr17-35103328-C-A. GRCh37 (hg19) VCF-style: chr17-33430347-C-A.
Other names: c.332-4G>T (NM_133629.3); c.728-4G>T (NM_001142571.2).
Identifiers: ClinVar variation 382950 (VCV000382950.21), dbSNP rs1001440122, ClinGen allele CA16607199.

ClinVar aggregate classification (germline): Likely benign. Review status: criteria provided, multiple submitters, no conflicts (2 of 4 stars). 5 submissions from 5 submitters: Likely benign (5). Last evaluated 2025-02-24.

Conditions:
Hereditary cancer-predisposing syndrome. Also called: Hereditary Cancer Syndrome; Hereditary neoplastic syndrome; Neoplastic Syndromes, Hereditary; Tumor predisposition. Identifiers: Orphanet 140162, MedGen C0027672, MeSH D009386, MONDO:0015356.
Breast-ovarian cancer, familial, susceptibility to, 4. Identifiers: Orphanet 145, MedGen C3280345, MONDO:0013669, OMIM 614291.

Submissions (5):

Myriad Genetics, Inc.
Classification: Likely benign for Breast-ovarian cancer, familial, susceptibility to, 4. Last evaluated: 2025-02-24. Review status: criteria provided, single submitter. Criteria: Myriad Autosomal Dominant, Autosomal Recessive and X-Linked Classification Criteria (2023). Collection method: clinical testing. Allele origin: unknown.
Comment: This variant is considered likely benign. This variant is intronic and is not expected to impact mRNA splicing.

Labcorp Genetics (formerly Invitae), Labcorp
Classification: Likely benign for Breast-ovarian cancer, familial, susceptibility to, 4. Last evaluated: 2025-01-23. Review status: criteria provided, single submitter. Criteria: Invitae Variant Classification Sherloc (09022015). Collection method: clinical testing. Allele origin: germline.

Ambry Genetics
Classification: Likely benign for Hereditary cancer-predisposing syndrome. Last evaluated: 2021-06-17. Review status: criteria provided, single submitter. Criteria: Ambry Variant Classification Scheme 2023. Collection method: clinical testing. Allele origin: germline.

GeneDx
Classification: Likely benign. Last evaluated: 2020-12-09. Review status: criteria provided, single submitter. Criteria: GeneDx Variant Classification Process June 2021. Collection method: clinical testing. Allele origin: germline. Affected: yes.

Color Diagnostics, LLC DBA Color Health
Classification: Likely benign for Hereditary cancer-predisposing syndrome. Last evaluated: 2020-01-22. Review status: criteria provided, single submitter. Criteria: ACMG Guidelines, 2015. Collection method: clinical testing. Allele origin: germline.